The following is an entry in ClinVar:

ClinVar aggregate classification (germline): Uncertain significance (1 of 4 stars; one submission).

Conditions:
Dilated cardiomyopathy 1O (CMD1O). Also called: CARDIOMYOPATHY, DILATED, WITH VENTRICULAR TACHYCARDIA. Identifiers: Orphanet 154, MedGen C1837839, MONDO:0012062, OMIM 608569.

Allele frequency attached by ClinVar (database versions not stated): gnomAD exomes below 0.00001; ExAC 0.00001; TOPMed 0.00001; ESP Exome Variant Server 0.00008.

Submission:

Labcorp Genetics (formerly Invitae), Labcorp
Classification: Uncertain significance for Dilated cardiomyopathy 1O. Last evaluated: 2023-06-24. Review status: criteria provided, single submitter. Criteria: Invitae Variant Classification Sherloc (09022015). Collection method: clinical testing. Allele origin: germline.
Comment: This sequence change replaces glutamic acid, which is acidic and polar, with alanine, which is neutral and non-polar, at codon 270 of the ABCC9 protein (p.Glu270Ala). This variant is present in population databases (rs145774770, gnomAD 0.0009%). This variant has not been reported in the literature in individuals affected with ABCC9-related conditions. ClinVar contains an entry for this variant (Variation ID: 1498604). Advanced modeling of protein sequence and biophysical properties (such as structural, functional, and spatial information, amino acid conservation, physicochemical variation, residue mobility, and thermodynamic stability) performed at Invitae indicates that this missense variant is not expected to disrupt ABCC9 protein function. In summary, the available evidence is currently insufficient to determine the role of this variant in disease. Therefore, it has been classified as a Variant of Uncertain Significance.

NM_020297.4(ABCC9):c.809A>C (p.Glu270Ala)

Gene: ABCC9 (ATP binding cassette subfamily C member 9; minus strand). Cytogenetic location: 12p12.1.
Variant type: single nucleotide variant.
Coding change: c.809A>C on transcript NM_020297.4 (MANE Select); coding-DNA position 809, A replaced by C.
Protein change: p.Glu270Ala; replaces glutamic acid 270 with alanine.
Molecular consequence: missense variant. On other transcripts: intron variant (1).
Genome position (GRCh38, 1-based): chr12:21,915,675, T>G on the plus strand (A>C on the coding strand, the complement: ABCC9 is on the minus strand). VCF-style: chr12-21915675-T-G. GRCh37 (hg19) VCF-style: chr12-22068609-T-G.
Other names: c.809A>C, p.Glu270Ala (NM_001377273.1, NM_005691.4); c.-48-2609A>C (NM_001377274.1); short protein forms E270A.
Identifiers: ClinVar variation 1498604 (VCV001498604.8), dbSNP rs145774770, ClinGen allele CA6481819.
Genomic context (GRCh38, chr12:21,915,675, plus strand): 5'-CCAACAGGACCATTCTCTGTAATTAAGCACATGGAAGACAGACGCTAAATCACCTTTTGT[T>G]CTTCATATGCATCTTTCAGGCAAACATAATTTGTTACTGCTCTCATTGCTATTGGCAATT-3'
Protein context (NP_064693.2, residues 260-280): NYVCLKDAYE[Glu270Ala]QKKKVADHPN